The following is an entry in ClinVar:

ClinVar aggregate classification (germline): Pathogenic (1 of 4 stars; one submission).

Conditions:
Nemaline myopathy 2 (NEM2). Also called: Nemaline myopathy 2, autosomal recessive. Identifiers: MedGen C1850569, MONDO:0009725, OMIM 256030.

Submission:

Labcorp Genetics (formerly Invitae), Labcorp
Classification: Pathogenic for Nemaline myopathy 2. Last evaluated: 2023-06-23. Review status: criteria provided, single submitter. Criteria: Invitae Variant Classification Sherloc (09022015). Collection method: clinical testing. Allele origin: germline.
Comment: This sequence change creates a premature translational stop signal (p.Pro4442Alafs*3) in the NEB gene. It is expected to result in an absent or disrupted protein product. Loss-of-function variants in NEB are known to be pathogenic (PMID: 25205138). This variant occurs in a region of NEB (Exons 82-105) consisting of three highly homologous 8-exon repeat units (exons 82-89, exons 90-97, exons 98-105). Sequence variants in this region can be detected, but this assay cannot determine which of the three repeat units is affected, and zygosity is often ambiguous. All variants in this region are reported relative to the exon 82-89 repeat. For these reasons, this variant has been classified as Pathogenic. ClinVar contains an entry for this variant (Variation ID: 1434695). This variant has not been reported in the literature in individuals affected with NEB-related conditions. The frequency data for this variant in the population databases (gnomAD) is considered unreliable due to the presence of homologous sequence, such as pseudogenes or paralogs, in the genome.

Literature cited by the submitters: PubMed 25205138.

NM_001164508.2(NEB):c.13323_13324insGCAATGTGAACGTGCTAATGTGAACGTG (p.Pro4442delinsAlaMetTer)

Gene: NEB (nebulin; minus strand). Cytogenetic location: 2q23.3.
Variant type: Insertion.
Coding change: c.13323_13324insGCAATGTGAACGTGCTAATGTGAACGTG on transcript NM_001164508.2 (MANE Select); coding-DNA positions 13323 to 13324, GCAATGTGAACGTGCTAATGTGAACGTG inserted.
Protein change: p.Pro4442delinsAlaMetTer.
Molecular consequence: nonsense. On other transcripts: intron variant (1).
Genome position: GRCh38 VCF-style: chr2-151602631-G-GCACGTTCACATTAGCACGTTCACATTGC. GRCh37 (hg19) VCF-style: chr2-152459145-G-GCACGTTCACATTAGCACGTTCACATTGC.
Other names: c.13323_13324insGCAATGTGAACGTGCTAATGTGAACGTG, p.Pro4442delinsAlaMetTer (NM_001164507.2, NM_001271208.2); c.11601+7177_11601+7178insGCAATGTGAACGTGCTAATGTGAACGTG (NM_004543.5).
Identifiers: ClinVar variation 1434695 (VCV001434695.6), dbSNP rs2153925252, ClinGen allele CA2573133399.